The following is an entry in ClinVar:

NM_002473.6(MYH9):c.679G>A (p.Val227Met)

Gene: MYH9 (myosin heavy chain 9; minus strand). Cytogenetic location: 22q12.3.
Variant type: single nucleotide variant.
Coding change: c.679G>A on transcript NM_002473.6 (MANE Select); coding-DNA position 679, G replaced by A.
Protein change: p.Val227Met; replaces valine 227 with methionine.
Molecular consequence: missense variant.
Genome position (GRCh38, 1-based): chr22:36,322,455, C>T on the plus strand (G>A on the coding strand, the complement: MYH9 is on the minus strand). VCF-style: chr22-36322455-C-T. GRCh37 (hg19) VCF-style: chr22-36718500-C-T.
Other names: short protein forms V227M.
Identifiers: ClinVar variation 373474 (VCV000373474.1), dbSNP rs760568093, ClinGen allele CA10210519.
Genomic context (GRCh38, chr22:36,322,455, plus strand): 5'-GTCCCCAGAGCCGGGGCGCCGCCGCGCTACTCACGAAGCGGGAGGAGTTGTCATTCTTCA[C>T]GGTCTTGGCGTTCCCGAAGGCCTCCAGGATGGGGTTGGCCTGCAGCAGCTGCCGCTCCAG-3'
Protein context (NP_002464.1, residues 217-237): ILEAFGNAKT[Val227Met]KNDNSSRFGK

ClinVar aggregate classification (germline): Uncertain significance (1 of 4 stars; one submission).

Allele frequency attached by ClinVar (database versions not stated): gnomAD exomes 0.00001; ExAC 0.00002.
gnomAD v4.1: 6 of 1,613,918 alleles (0.00037%); highest among the groups gnomAD compares: South Asian, 0.0044%; no homozygotes.

Submission:

GeneDx
Classification: Uncertain significance. Last evaluated: 2016-11-22. Review status: criteria provided, single submitter. Criteria: GeneDx Variant Classification (06012015). Collection method: clinical testing. Allele origin: germline. Affected: yes.
Comment: The V227M variant in the MYH9 gene has not been reported previously as a pathogenic variant, nor as a benign variant, to our knowledge. The V227M variant was not observed in approximately 6,500 individuals of European and African American ancestry in the NHLBI Exome Sequencing Project, indicating it is not a common benign variant in these populations. The V227M variant is a conservative amino acid substitution, which is not likely to impact secondary protein structure as these residues share similar properties. However, this substitution occurs at a position that is conserved across species, and in silico analysis predicts this variant is probably damaging to the protein structure/function. We interpret V227M as a variant of uncertain significance.